The following is an entry in ClinVar:

NM_001363711.2(DUOX2):c.407G>A (p.Gly136Glu)

Gene: DUOX2 (dual oxidase 2; minus strand). Cytogenetic location: 15q21.1.
Variant type: single nucleotide variant.
Coding change: c.407G>A on transcript NM_001363711.2 (MANE Select); coding-DNA position 407, G replaced by A.
Protein change: p.Gly136Glu; replaces glycine 136 with glutamic acid.
Molecular consequence: missense variant.
Genome position (GRCh38, 1-based): chr15:45,111,874, C>T on the plus strand (G>A on the coding strand, the complement: DUOX2 is on the minus strand). VCF-style: chr15-45111874-C-T. GRCh37 (hg19) VCF-style: chr15-45404072-C-T.
Other names: c.407G>A, p.Gly136Glu (NM_014080.5); short protein forms G136E.
Identifiers: ClinVar variation 3663391 (VCV003663391.2).

ClinVar aggregate classification (germline): Uncertain significance (1 of 4 stars; one submission).

gnomAD v4.1: 1 of 1,613,844 alleles (0.000062%); highest among the groups gnomAD compares: South Asian, 0.0011%; no homozygotes.

Submission:

Labcorp Genetics (formerly Invitae), Labcorp
Classification: Uncertain significance. Last evaluated: 2024-08-24. Review status: criteria provided, single submitter. Criteria: Invitae Variant Classification Sherloc (09022015). Collection method: clinical testing. Allele origin: germline.
Comment: This sequence change replaces glycine, which is neutral and non-polar, with glutamic acid, which is acidic and polar, at codon 136 of the DUOX2 protein (p.Gly136Glu). This variant is not present in population databases (gnomAD no frequency). This variant has not been reported in the literature in individuals affected with DUOX2-related conditions. Invitae Evidence Modeling of protein sequence and biophysical properties (such as structural, functional, and spatial information, amino acid conservation, physicochemical variation, residue mobility, and thermodynamic stability) indicates that this missense variant is not expected to disrupt DUOX2 protein function with a negative predictive value of 80%. In summary, the available evidence is currently insufficient to determine the role of this variant in disease. Therefore, it has been classified as a Variant of Uncertain Significance.